The following is an entry in ClinVar:

NM_001276270.2(MBD4):c.931A>T (p.Lys311Ter)

Gene: MBD4 (methyl-CpG binding domain 4, DNA glycosylase; minus strand). Cytogenetic location: 3q21.3.
Variant type: single nucleotide variant.
Coding change: c.931A>T on transcript NM_001276270.2 (MANE Select); coding-DNA position 931, A replaced by T.
Protein change: p.Lys311Ter; replaces lysine 311 with a stop codon.
Molecular consequence: nonsense. On other transcripts: intron variant (1).
Genome position (GRCh38, 1-based): chr3:129,436,713, T>A on the plus strand (A>T on the coding strand, the complement: MBD4 is on the minus strand). VCF-style: chr3-129436713-T-A. GRCh37 (hg19) VCF-style: chr3-129155556-T-A.
Other names: c.931A>T, p.Lys311Ter (NM_001276271.2, NM_001276272.2, NM_003925.3); c.247+1095A>T (NM_001276273.2); short protein forms K311*.
Identifiers: ClinVar variation 4856757 (VCV004856757.1).

ClinVar aggregate classification (germline): Pathogenic (1 of 4 stars; one submission).

Conditions:
Tumor predisposition syndrome 2 (TPDS2). Also called: MBD4-ASSOCIATED NEOPLASIA SYNDROME; MBD4-Related Tumor Predisposition Syndrome; MBD4-associated neoplasia syndrome (MANS). Identifiers: Orphanet 661526, MedGen C5774186, MONDO:0859267, OMIM 619975.

Submission:

Myriad Genetics, Inc.
Classification: Pathogenic for Tumor predisposition syndrome 2. Last evaluated: 2026-03-09. Review status: criteria provided, single submitter. Criteria: Myriad Autosomal Dominant, Autosomal Recessive and X-Linked Classification Criteria (2023). Collection method: clinical testing. Allele origin: unknown.
Comment: This variant is considered pathogenic. This variant creates a termination codon and is predicted to result in premature protein truncation.